The following is an entry in ClinVar:

ClinVar aggregate classification (germline): Uncertain significance (1 of 4 stars; one submission).

Conditions:
Hereditary cancer-predisposing syndrome. Also called: Hereditary Cancer Syndrome; Hereditary neoplastic syndrome; Neoplastic Syndromes, Hereditary; Tumor predisposition. Identifiers: Orphanet 140162, MedGen C0027672, MeSH D009386, MONDO:0015356.

Submission:

Ambry Genetics
Classification: Uncertain significance for Hereditary cancer-predisposing syndrome. Last evaluated: 2025-07-23. Review status: criteria provided, single submitter. Criteria: Ambry Variant Classification Scheme 2023. Collection method: clinical testing. Allele origin: germline.
Comment: The c.381delT variant, located in coding exon 1 of the HOXB13 gene, results from a deletion of one nucleotide at nucleotide position 381, causing a translational frameshift with a predicted alternate stop codon (p.F127Lfs*152). This alteration occurs at the 3' terminus of the HOXB13 gene, is not expected to trigger nonsense-mediated mRNAdecay, and impacts the last 56% of the protein. The exact functional effect of this alteration is unknown. Based on the available evidence, the clinical significance of this variant remains unclear.

NM_006361.6(HOXB13):c.381del (p.Phe127fs)

Gene: HOXB13 (homeobox B13; minus strand). Cytogenetic location: 17q21.32.
Variant type: Deletion.
Coding change: c.381del on transcript NM_006361.6 (MANE Select); coding-DNA position 381, one base deleted (T; older notation c.381delT).
Protein change: p.Phe127fs; shifts the reading frame from phenylalanine 127.
Molecular consequence: frameshift variant.
Genome position (GRCh38, 1-based): chr17:48,728,213, A deleted on the plus strand (T on the coding strand, the reverse complement: HOXB13 is on the minus strand); the first of 3 consecutive A bases (chr17:48,728,213-48,728,215); deleting any one gives the same sequence. VCF-style (leftmost placement, unchanged base first): chr17-48728212-CA-C. GRCh37 (hg19) VCF-style: chr17-46805574-CA-C.
Other names: c.381delT (NM_006361.5); short protein forms F127fs.
Identifiers: ClinVar variation 4271766 (VCV004271766.1).